The following is an entry in ClinVar:

ClinVar aggregate classification (germline): Uncertain significance (1 of 4 stars; one submission).

Conditions:
Gastrointestinal stromal tumor. Also called: Gastrointestinal stromal tumor, somatic; Gastrointestinal stroma tumor. Identifiers: Orphanet 44890, MedGen C0238198, MeSH D046152, MONDO:0011719, OMIM 606764, HP:0100723.

Submission:

Labcorp Genetics (formerly Invitae), Labcorp
Classification: Uncertain significance for Gastrointestinal stromal tumor. Last evaluated: 2020-07-23. Review status: criteria provided, single submitter. Criteria: Invitae Variant Classification Sherloc (09022015). Collection method: clinical testing. Allele origin: germline.
Comment: In summary, the available evidence is currently insufficient to determine the role of this variant in disease. Therefore, it has been classified as a Variant of Uncertain Significance. Algorithms developed to predict the effect of missense changes on protein structure and function (SIFT, PolyPhen-2, Align-GVGD) all suggest that this variant is likely to be tolerated, but these predictions have not been confirmed by published functional studies and their clinical significance is uncertain. This variant has not been reported in the literature in individuals with PDGFRA-related conditions. This variant is not present in population databases (ExAC no frequency). This sequence change replaces glutamic acid with glutamine at codon 951 of the PDGFRA protein (p.Glu951Gln). The glutamic acid residue is moderately conserved and there is a small physicochemical difference between glutamic acid and glutamine.

NM_006206.6(PDGFRA):c.2851G>C (p.Glu951Gln)

Gene: PDGFRA (platelet derived growth factor receptor alpha; plus strand). Cytogenetic location: 4q12.
Variant type: single nucleotide variant.
Coding change: c.2851G>C on transcript NM_006206.6 (MANE Select); coding-DNA position 2851, G replaced by C.
Protein change: p.Glu951Gln; replaces glutamic acid 951 with glutamine.
Molecular consequence: missense variant.
Genome position (GRCh38, 1-based): chr4:54,289,085, G>C. VCF-style: chr4-54289085-G-C. GRCh37 (hg19) VCF-style: chr4-55155252-G-C.
Other names: c.2926G>C, p.Glu976Gln (NM_001347828.2); c.2851G>C, p.Glu951Gln (NM_001347829.2); c.2890G>C, p.Glu964Gln (NM_001347830.2); short protein forms E951Q, E964Q, E976Q.
Identifiers: ClinVar variation 1011927 (VCV001011927.9), dbSNP rs1724502907, ClinGen allele CA356895824.
Genomic context (GRCh38, chr4:54,289,085, plus strand): 5'-AAATGCTGGAACAGTGAGCCGGAGAAGAGACCCTCCTTTTACCACCTGAGTGAGATTGTG[G>C]AGAATCTGCTGCCTGGACAATATAAAAAGGTGTGTTTGGATCTGTGGGTGGAAAGGTCTG-3'
Protein context (NP_006197.1, residues 941-961): PSFYHLSEIV[Glu951Gln]NLLPGQYKKS